The following is an entry in ClinVar:

ClinVar aggregate classification (germline): Likely pathogenic (1 of 4 stars; one submission).

Submission:

Labcorp Genetics (formerly Invitae), Labcorp
Classification: Likely pathogenic. Last evaluated: 2023-03-21. Review status: criteria provided, single submitter. Criteria: Invitae Variant Classification Sherloc (09022015). Collection method: clinical testing. Allele origin: germline.
Comment: This variant is not present in population databases (gnomAD no frequency). In summary, the currently available evidence indicates that the variant is pathogenic, but additional data are needed to prove that conclusively. Therefore, this variant has been classified as Likely Pathogenic. Algorithms developed to predict the effect of sequence changes on RNA splicing suggest that this variant may disrupt the consensus splice site. This variant has not been reported in the literature in individuals affected with ABCA4-related conditions. This sequence change affects a donor splice site in intron 19 of the ABCA4 gene. It is expected to disrupt RNA splicing. Variants that disrupt the donor or acceptor splice site typically lead to a loss of protein function (PMID: 16199547), and loss-of-function variants in ABCA4 are known to be pathogenic (PMID: 10958761, 24938718, 25312043, 26780318).

Literature cited by the submitters: PubMed 16199547; PubMed 10958761; PubMed 24938718; PubMed 25312043; PubMed 26780318.

NM_000350.3(ABCA4):c.2918+1G>A

Gene: ABCA4 (ATP binding cassette subfamily A member 4; minus strand). Cytogenetic location: 1p22.1.
Variant type: single nucleotide variant.
Coding change: c.2918+1G>A on transcript NM_000350.3 (MANE Select); the canonical splice donor site of the intron after coding-DNA position 2918, G replaced by A.
Molecular consequence: splice donor variant.
Genome position (GRCh38, 1-based): chr1:94,046,918, C>T on the plus strand (G>A on the coding strand, the complement: ABCA4 is on the minus strand). VCF-style: chr1-94046918-C-T. GRCh37 (hg19) VCF-style: chr1-94512474-C-T.
Identifiers: ClinVar variation 2848041 (VCV002848041.3), dbSNP rs2523790517, ClinGen allele CA341275283.